The following is an entry in ClinVar:

ClinVar aggregate classification (germline): Uncertain significance. Review status: criteria provided, multiple submitters, no conflicts (2 of 4 stars). 3 submissions from 3 submitters: Uncertain significance (2). 1 of the submissions does not count toward it. Last evaluated 2025-12-08.

Conditions:
Hypertrophic cardiomyopathy 15. Identifiers: MedGen C2750459, MONDO:0013200, OMIM 613255.
Dilated cardiomyopathy 1W (CMD1W). Identifiers: Orphanet 154, MedGen C1969639, MONDO:0012667, OMIM 611407.
Cardiovascular phenotype. Identifiers: MedGen CN230736.

Allele frequency attached by ClinVar (database versions not stated): gnomAD exomes 0.00001 and 0.00004; gnomAD 0.00002; TOPMed 0.00005; ExAC 0.00006.
gnomAD v4.1: 21 of 1,538,914 alleles (0.0014%); highest among the groups gnomAD compares: East Asian, 0.01%; no homozygotes.

Submissions (3):

Labcorp Genetics (formerly Invitae), Labcorp
Classification: Uncertain significance for Dilated cardiomyopathy 1W. Last evaluated: 2025-12-08. Review status: criteria provided, single submitter. Criteria: Invitae Variant Classification Sherloc (09022015). Collection method: clinical testing. Allele origin: germline.
Comment: This sequence change replaces asparagine, which is neutral and polar, with serine, which is neutral and polar, at codon 53 of the VCL protein (p.Asn53Ser). This variant is present in population databases (rs751938777, gnomAD 0.02%). This variant has not been reported in the literature in individuals affected with VCL-related conditions. ClinVar contains an entry for this variant (Variation ID: 417950). An algorithm developed to predict the effect of missense changes on protein structure and function (PolyPhen-2) suggests that this variant is likely to be disruptive. In summary, the available evidence is currently insufficient to determine the role of this variant in disease. Therefore, it has been classified as a Variant of Uncertain Significance.

Ambry Genetics
Classification: Uncertain significance for Cardiovascular phenotype. Last evaluated: 2025-02-21. Review status: criteria provided, single submitter. Criteria: Ambry Variant Classification Scheme 2023. Collection method: clinical testing. Allele origin: germline.

Division of Human Genetics, Children's Hospital of Philadelphia
Classification: Uncertain significance for Hypertrophic cardiomyopathy 15; Dilated cardiomyopathy 1W. Last evaluated: 2016-08-22. Review status: no assertion criteria provided. Collection method: research. Allele origin: maternal. Affected: yes. Study: CSER-PediSeq. Not counted in ClinVar's aggregate classification.

NM_014000.3(VCL):c.158A>G (p.Asn53Ser)

Gene: VCL (vinculin; plus strand). Cytogenetic location: 10q22.2.
Variant type: single nucleotide variant.
Coding change: c.158A>G on transcript NM_014000.3 (MANE Select); coding-DNA position 158, A replaced by G.
Protein change: p.Asn53Ser; replaces asparagine 53 with serine.
Molecular consequence: missense variant.
Genome position (GRCh38, 1-based): chr10:73,998,365, A>G. VCF-style: chr10-73998365-A-G. GRCh37 (hg19) VCF-style: chr10-75758123-A-G.
Other names: c.158A>G, p.Asn53Ser (NM_003373.4); short protein forms N53S.
Identifiers: ClinVar variation 417950 (VCV000417950.11), dbSNP rs751938777, ClinGen allele CA5562707.
Genomic context (GRCh38, chr10:73,998,365, plus strand): 5'-ACGGCAAAGCCATTCCTGACCTCACCGCGCCCGTGGCCGCCGTGCAGGCGGCCGTCAGCA[A>G]CCTCGTCCGGGTGAGCGCGCAGGGCCTGGCGCGGGAGCGGGCGCGGGAGGTATCCCCGGG-3'
Protein context (NP_054706.1, residues 43-63): PVAAVQAAVS[Asn53Ser]LVRVGKETVQ